The following is an entry in ClinVar:

NM_201548.5(CERKL):c.112C>T (p.Gln38Ter)

Gene: CERKL (CERK like autophagy regulator; minus strand). Cytogenetic location: 2q31.3.
Variant type: single nucleotide variant.
Coding change: c.112C>T on transcript NM_201548.5 (MANE Select); coding-DNA position 112, C replaced by T.
Protein change: p.Gln38Ter; replaces glutamine 38 with a stop codon.
Molecular consequence: nonsense. On other transcripts: non-coding transcript variant (2).
Genome position (GRCh38, 1-based): chr2:181,656,895, G>A on the plus strand (C>T on the coding strand, the complement: CERKL is on the minus strand). VCF-style: chr2-181656895-G-A. GRCh37 (hg19) VCF-style: chr2-182521622-G-A.
Other names: c.112C>T, p.Gln38Ter (NM_001030311.3, NM_001030312.3, NM_001030313.3 and 1 more transcripts); short protein forms Q38*.
Identifiers: ClinVar variation 1302082 (VCV001302082.9), dbSNP rs776566319, ClinGen allele CA2010951.

ClinVar aggregate classification (germline): Pathogenic/Likely pathogenic. Review status: criteria provided, multiple submitters, no conflicts (2 of 4 stars). 3 submissions from 3 submitters: Pathogenic (1); Likely pathogenic (2). Last evaluated 2025-07-03.

Conditions:
Retinitis pigmentosa 26 (RP26). Identifiers: Orphanet 791, MedGen C1842127, MONDO:0012024, OMIM 608380.

Allele frequency attached by ClinVar (database versions not stated): TOPMed below 0.00001; ExAC 0.00001; gnomAD exomes below 0.00001.

Submissions (3):

Labcorp Genetics (formerly Invitae), Labcorp
Classification: Pathogenic. Last evaluated: 2025-07-03. Review status: criteria provided, single submitter. Criteria: Invitae Variant Classification Sherloc (09022015). Collection method: clinical testing. Allele origin: germline.
Comment: This sequence change creates a premature translational stop signal (p.Gln38*) in the CERKL gene. It is expected to result in an absent or disrupted protein product. Loss-of-function variants in CERKL are known to be pathogenic (PMID: 14681825, 23591405, 24043777). The frequency data for this variant in the population databases is considered unreliable, as metrics indicate poor data quality at this position in the gnomAD database. This variant has not been reported in the literature in individuals affected with CERKL-related conditions. ClinVar contains an entry for this variant (Variation ID: 1302082). For these reasons, this variant has been classified as Pathogenic.

GeneDx
Classification: Likely pathogenic. Last evaluated: 2023-12-27. Review status: criteria provided, single submitter. Criteria: GeneDx Variant Classification Process June 2021. Collection method: clinical testing. Allele origin: germline. Affected: yes.
Comment: Nonsense variant predicted to result in protein truncation or nonsense mediated decay in a gene for which loss of function is a known mechanism of disease; Not observed at significant frequency in large population cohorts (gnomAD); Has not been previously published as pathogenic or benign to our knowledge

Baylor Genetics
Classification: Likely pathogenic for Retinitis pigmentosa 26. Last evaluated: 2023-03-02. Review status: criteria provided, single submitter. Criteria: ACMG Guidelines, 2015. Collection method: clinical testing. Allele origin: unknown.

Literature cited by the submitters: PubMed 14681825 (cited by Labcorp Genetics (formerly Invitae), Labcorp); PubMed 23591405 (cited by Labcorp Genetics (formerly Invitae), Labcorp); PubMed 24043777 (cited by Labcorp Genetics (formerly Invitae), Labcorp).